The following is an entry in ClinVar:

NM_001014987.2(LAT):c.246-3C>G

Gene: LAT (linker for activation of T cells; plus strand). Cytogenetic location: 16p11.2.
Variant type: single nucleotide variant.
Coding change: c.246-3C>G on transcript NM_001014987.2 (MANE Select); 3 bases into the intron before coding-DNA position 246, C replaced by G.
Molecular consequence: intron variant.
Genome position (GRCh38, 1-based): chr16:28,986,379, C>G. VCF-style: chr16-28986379-C-G. GRCh37 (hg19) VCF-style: chr16-28997700-C-G.
Other names: c.354-3C>G (NM_001014989.2); c.246-3C>G (NM_014387.4); c.246-6C>G (NM_001014988.2).
Identifiers: ClinVar variation 1928658 (VCV001928658.2), dbSNP rs2506681241, ClinGen allele CA2580091437.

ClinVar aggregate classification (germline): Uncertain significance (1 of 4 stars; one submission).

Allele frequency attached by ClinVar (database versions not stated): gnomAD exomes below 0.00001.
gnomAD v4.1: 5 of 1,613,734 alleles (0.00031%); highest among the groups gnomAD compares: Non-Finnish European, 0.00034%; no homozygotes.

Submission:

Labcorp Genetics (formerly Invitae), Labcorp
Classification: Uncertain significance. Last evaluated: 2022-02-14. Review status: criteria provided, single submitter. Criteria: Invitae Variant Classification Sherloc (09022015). Collection method: clinical testing. Allele origin: germline.
Comment: This sequence change falls in intron 4 of the LAT gene. It does not directly change the encoded amino acid sequence of the LAT protein. It affects a nucleotide within the consensus splice site. This variant is not present in population databases (gnomAD no frequency). This variant has not been reported in the literature in individuals affected with LAT-related conditions. Variants that disrupt the consensus splice site are a relatively common cause of aberrant splicing (PMID: 17576681, 9536098). Algorithms developed to predict the effect of sequence changes on RNA splicing suggest that this variant may disrupt the consensus splice site. In summary, the available evidence is currently insufficient to determine the role of this variant in disease. Therefore, it has been classified as a Variant of Uncertain Significance.

Literature cited by the submitters: PubMed 17576681; PubMed 9536098.